The following is an entry in ClinVar:

ClinVar aggregate classification (germline): Conflicting classifications of pathogenicity. Review status: criteria provided, conflicting classifications (1 of 4 stars). 3 submissions from 3 submitters: Uncertain significance (2); Likely benign (1). Last evaluated 2025-07-18.

Conditions:
Angelman syndrome-like. Identifiers: MedGen CN128785.
Developmental and epileptic encephalopathy, 2 (DEE2). Also called: CDKL5 deficiency disorder; INFANTILE SPASM SYNDROME, X-LINKED 2. Identifiers: Orphanet 1934, Orphanet 3451, Orphanet 505652, MedGen C4750718, MONDO:0010396, OMIM 300672.

Allele frequency attached by ClinVar (database versions not stated): gnomAD 0.00001; gnomAD exomes 0.00001.
gnomAD v4.1: 11 of 1,186,132 alleles (0.00093%); highest among the groups gnomAD compares: Non-Finnish European, 0.0013%; no homozygotes.

Submissions (3):

Labcorp Genetics (formerly Invitae), Labcorp
Classification: Uncertain significance for Developmental and epileptic encephalopathy, 2; Angelman syndrome-like. Last evaluated: 2025-07-18. Review status: criteria provided, single submitter. Criteria: Invitae Variant Classification Sherloc (09022015). Collection method: clinical testing. Allele origin: germline.
Comment: This sequence change falls in intron 6 of the CDKL5 gene. It does not directly change the encoded amino acid sequence of the CDKL5 protein. It affects a nucleotide within the consensus splice site. This variant is present in population databases (no rsID available, gnomAD 0.002%). This variant has not been reported in the literature in individuals affected with CDKL5-related conditions. ClinVar contains an entry for this variant (Variation ID: 931974). Variants that disrupt the consensus splice site are a relatively common cause of aberrant splicing (PMID: 17576681, 9536098). Algorithms developed to predict the effect of sequence changes on RNA splicing suggest that this variant is not likely to affect RNA splicing. In summary, the available evidence is currently insufficient to determine the role of this variant in disease. Therefore, it has been classified as a Variant of Uncertain Significance.

CeGaT Center for Human Genetics Tuebingen
Classification: Likely benign. Last evaluated: 2024-12-01. Review status: criteria provided, single submitter. Criteria: CeGaT Center For Human Genetics Tuebingen Variant Classification Criteria Version 2. Collection method: clinical testing. Allele origin: germline. Affected: yes. Observed: 1 variant allele.
Comment: CDKL5: BP4

Centre for Mendelian Genomics, University Medical Centre Ljubljana
Classification: Uncertain significance for Developmental and epileptic encephalopathy, 2. Last evaluated: 2019-02-11. Review status: criteria provided, single submitter. Criteria: ACMG Guidelines, 2015. Collection method: clinical testing. Allele origin: unknown. Affected: yes.
Comment: This variant was classified as: Uncertain significance. The available evidence on this variant's pathogenicity is insufficient or conflicting. The following ACMG criteria were applied in classifying this variant: PP3,BS2.

Literature cited by the submitters: PubMed 17576681 (cited by Labcorp Genetics (formerly Invitae), Labcorp); PubMed 9536098 (cited by Labcorp Genetics (formerly Invitae), Labcorp).

NM_001323289.2(CDKL5):c.403+5G>A

Gene: CDKL5 (cyclin dependent kinase like 5; plus strand). Cytogenetic location: Xp22.13.
Variant type: single nucleotide variant.
Coding change: c.403+5G>A on transcript NM_001323289.2 (MANE Select); 5 bases into the intron after coding-DNA position 403, G replaced by A.
Molecular consequence: intron variant.
Genome position (GRCh38, 1-based): chrX:18,579,973, G>A. VCF-style: chrX-18579973-G-A. GRCh37 (hg19) VCF-style: chrX-18598093-G-A.
Other names: c.403+5G>A (NM_003159.3, NM_001037343.2).
Identifiers: ClinVar variation 931974 (VCV000931974.17), dbSNP rs1342864362, ClinGen allele CA640509400.